The following is an entry in ClinVar:

NM_138694.4(PKHD1):c.330C>G (p.Tyr110Ter)

Gene: PKHD1 (PKHD1 ciliary IPT domain containing fibrocystin/polyductin; minus strand). Cytogenetic location: 6p12.2.
Variant type: single nucleotide variant.
Coding change: c.330C>G on transcript NM_138694.4 (MANE Select); coding-DNA position 330, C replaced by G.
Protein change: p.Tyr110Ter; replaces tyrosine 110 with a stop codon.
Molecular consequence: nonsense.
Genome position (GRCh38, 1-based): chr6:52,079,960, G>C on the plus strand (C>G on the coding strand, the complement: PKHD1 is on the minus strand). VCF-style: chr6-52079960-G-C. GRCh37 (hg19) VCF-style: chr6-51944758-G-C.
Other names: c.330C>G, p.Tyr110Ter (NM_170724.3); short protein forms Y110*.
Identifiers: ClinVar variation 2131998 (VCV002131998.4), dbSNP rs2128240446, ClinGen allele CA364439632.

ClinVar aggregate classification (germline): Pathogenic (1 of 4 stars; one submission).

Conditions:
Autosomal recessive polycystic kidney disease (ARPKD). Also called: AR polycystic kidney disease. Identifiers: Orphanet 731, Orphanet 8378, MedGen C0085548, MeSH D017044, MONDO:0009889.

Submission:

Labcorp Genetics (formerly Invitae), Labcorp
Classification: Pathogenic for Autosomal recessive polycystic kidney disease. Last evaluated: 2022-04-29. Review status: criteria provided, single submitter. Criteria: Invitae Variant Classification Sherloc (09022015). Collection method: clinical testing. Allele origin: germline.
Comment: For these reasons, this variant has been classified as Pathogenic. Algorithms developed to predict the effect of sequence changes on RNA splicing suggest that this variant may disrupt the consensus splice site. This variant has not been reported in the literature in individuals affected with PKHD1-related conditions. This variant is not present in population databases (gnomAD no frequency). This sequence change creates a premature translational stop signal (p.Tyr110*) in the PKHD1 gene. It is expected to result in an absent or disrupted protein product. Loss-of-function variants in PKHD1 are known to be pathogenic (PMID: 19940839).

Literature cited by the submitters: PubMed 19940839.